The following is an entry in ClinVar:

NM_001367624.2(ZNF469):c.10970C>T (p.Ser3657Phe)

Gene: ZNF469 (zinc finger protein 469; plus strand). Cytogenetic location: 16q24.2.
Variant type: single nucleotide variant.
Coding change: c.10970C>T on transcript NM_001367624.2 (MANE Select); coding-DNA position 10970, C replaced by T.
Protein change: p.Ser3657Phe; replaces serine 3657 with phenylalanine.
Molecular consequence: missense variant.
Genome position (GRCh38, 1-based): chr16:88,438,440, C>T. VCF-style: chr16-88438440-C-T. GRCh37 (hg19) VCF-style: chr16-88504848-C-T.
Other names: short protein forms S3657F.
Identifiers: ClinVar variation 3617091 (VCV003617091.2).

ClinVar aggregate classification (germline): Uncertain significance (1 of 4 stars; one submission).

gnomAD v4.1: 1 of 1,550,128 alleles (0.000065%); highest among the groups gnomAD compares: East Asian, 0.0024%; no homozygotes.

Submission:

Labcorp Genetics (formerly Invitae), Labcorp
Classification: Uncertain significance. Last evaluated: 2024-04-02. Review status: criteria provided, single submitter. Criteria: Invitae Variant Classification Sherloc (09022015). Collection method: clinical testing. Allele origin: germline.
Comment: This sequence change replaces serine, which is neutral and polar, with phenylalanine, which is neutral and non-polar, at codon 3629 of the ZNF469 protein (p.Ser3629Phe). This variant is present in population databases (no rsID available, gnomAD 0.01%). This variant has not been reported in the literature in individuals affected with ZNF469-related conditions. An algorithm developed to predict the effect of missense changes on protein structure and function (PolyPhen-2) suggests that this variant is likely to be disruptive. In summary, the available evidence is currently insufficient to determine the role of this variant in disease. Therefore, it has been classified as a Variant of Uncertain Significance.